The following is an entry in ClinVar:

ClinVar aggregate classification (germline): Uncertain significance (1 of 4 stars; one submission).

Conditions:
Autosomal recessive axonal neuropathy with neuromyotonia (NMAN). Also called: MYOKYMIA, MYOTONIA, AND MUSCLE WASTING; Gamstorp-Wohlfart syndrome; Neuromyotonia and axonal neuropathy, autosomal recessive. Identifiers: Orphanet 324442, MedGen C5700127, MONDO:0007646, OMIM 137200.

Allele frequency attached by ClinVar (database versions not stated): gnomAD 0.00001.
gnomAD v4.1: 1 of 1,612,642 alleles (0.000062%); highest among the groups gnomAD compares: Admixed American, 0.0017%; no homozygotes.

Submission:

Labcorp Genetics (formerly Invitae), Labcorp
Classification: Uncertain significance for Autosomal recessive axonal neuropathy with neuromyotonia. Last evaluated: 2022-07-25. Review status: criteria provided, single submitter. Criteria: Invitae Variant Classification Sherloc (09022015). Collection method: clinical testing. Allele origin: germline.
Comment: This sequence change replaces lysine, which is basic and polar, with glutamic acid, which is acidic and polar, at codon 21 of the HINT1 protein (p.Lys21Glu). This variant is not present in population databases (gnomAD no frequency). This variant has not been reported in the literature in individuals affected with HINT1-related conditions. ClinVar contains an entry for this variant (Variation ID: 1430606). Algorithms developed to predict the effect of missense changes on protein structure and function (SIFT, PolyPhen-2, Align-GVGD) all suggest that this variant is likely to be disruptive. In summary, the available evidence is currently insufficient to determine the role of this variant in disease. Therefore, it has been classified as a Variant of Uncertain Significance.

NM_005340.7(HINT1):c.61A>G (p.Lys21Glu)

Gene: HINT1 (histidine triad nucleotide binding protein 1; minus strand). Cytogenetic location: 5q23.3.
Variant type: single nucleotide variant.
Coding change: c.61A>G on transcript NM_005340.7 (MANE Select); coding-DNA position 61, A replaced by G.
Protein change: p.Lys21Glu; replaces lysine 21 with glutamic acid.
Molecular consequence: missense variant. On other transcripts: non-coding transcript variant (5).
Genome position (GRCh38, 1-based): chr5:131,165,145, T>C on the plus strand (A>G on the coding strand, the complement: HINT1 is on the minus strand). VCF-style: chr5-131165145-T-C. GRCh37 (hg19) VCF-style: chr5-130500838-T-C.
Other names: short protein forms K21E.
Identifiers: ClinVar variation 1430606 (VCV001430606.5), dbSNP rs1755366589, ClinGen allele CA360839090.